The following is an entry in ClinVar:

ClinVar aggregate classification (germline): Uncertain significance (1 of 4 stars; one submission).

Conditions:
Familial adenomatous polyposis 1 (FAP1). Also called: FAMILIAL ADENOMATOUS POLYPOSIS 1, ATTENUATED; POLYPOSIS, ADENOMATOUS INTESTINAL. Identifiers: MedGen C2713442, MONDO:0021056, OMIM 175100. Disease mechanism: loss of function.

Allele frequency attached by ClinVar (database versions not stated): TOPMed below 0.00001.

Submission:

Labcorp Genetics (formerly Invitae), Labcorp
Classification: Uncertain significance for Familial adenomatous polyposis 1. Last evaluated: 2026-01-04. Review status: criteria provided, single submitter. Criteria: Invitae Variant Classification Sherloc (09022015). Collection method: clinical testing. Allele origin: germline.
Comment: This variant occurs in a non-coding region of the APC gene. It does not change the encoded amino acid sequence of the APC protein. This variant is not present in population databases (gnomAD no frequency). This variant has not been reported in the literature in individuals affected with APC-related conditions. Experimental studies and prediction algorithms are not available or were not evaluated, and the functional significance of this variant is currently unknown. In summary, the available evidence is currently insufficient to determine the role of this variant in disease. Therefore, it has been classified as a Variant of Uncertain Significance.

NM_001127511.3(APC):c.140C>G (p.Ser47Cys)

Gene: APC (APC regulator of Wnt signaling pathway; plus strand). Cytogenetic location: 5q22.2.
Variant type: single nucleotide variant.
Coding change: c.140C>G on transcript NM_001127511.3; coding-DNA position 140, C replaced by G.
Protein change: p.Ser47Cys; replaces serine 47 with cysteine.
Molecular consequence: missense variant. On other transcripts: 5 prime UTR variant (8), non-coding transcript variant (1), intron variant (5).
Genome position (GRCh38, 1-based): chr5:112,707,857, C>G. VCF-style: chr5-112707857-C-G. GRCh37 (hg19) VCF-style: chr5-112043554-C-G.
Other names: c.-44C>G (NM_001354895.2, NM_001407447.1, NM_001407452.1 and 3 more transcripts); c.140C>G, p.Ser47Cys (NM_001354897.2, NM_001354902.2, NM_001407446.1); c.-1079C>G (NM_001407470.1, NM_001407472.1); c.-19+208C>G (NM_001407448.1, NM_001407450.1, NM_001407457.1 and 1 more transcripts); c.-43+208C>G (NM_001407453.1); short protein forms S47C.
Identifiers: ClinVar variation 1024504 (VCV001024504.8), dbSNP rs1750615769, ClinGen allele CA360612128.